The following is an entry in ClinVar:

NM_001379500.1(COL18A1):c.107-12491C>T

Gene: COL18A1 (collagen type XVIII alpha 1 chain; plus strand). Cytogenetic location: 21q22.3.
Variant type: single nucleotide variant.
Coding change: c.107-12491C>T on transcript NM_001379500.1 (MANE Select); 12491 bases into the intron before coding-DNA position 107, C replaced by T.
Molecular consequence: intron variant. On other transcripts: missense variant (2).
Genome position (GRCh38, 1-based): chr21:45,455,751, C>T. VCF-style: chr21-45455751-C-T. GRCh37 (hg19) VCF-style: chr21-46875665-C-T.
Other names: c.221C>T, p.Ala74Val (NM_030582.4, NM_130444.3); short protein forms A74V.
Identifiers: ClinVar variation 1557577 (VCV001557577.10), dbSNP rs749001958, ClinGen allele CA10065412.

ClinVar aggregate classification (germline): Conflicting classifications of pathogenicity. Review status: criteria provided, conflicting classifications (1 of 4 stars). 2 submissions from 2 submitters: Uncertain significance (1); Likely benign (1). Last evaluated 2024-08-30.

Allele frequency attached by ClinVar (database versions not stated): gnomAD 0.00001; TOPMed 0.00001; ExAC 0.00003; gnomAD exomes 0.00004.
gnomAD v4.1: 15 of 1,613,648 alleles (0.00093%); highest among the groups gnomAD compares: Admixed American, 0.01%; no homozygotes.

Submissions (2):

Labcorp Genetics (formerly Invitae), Labcorp
Classification: Likely benign. Last evaluated: 2024-08-30. Review status: criteria provided, single submitter. Criteria: Invitae Variant Classification Sherloc (09022015). Collection method: clinical testing. Allele origin: germline.

GeneDx
Classification: Uncertain significance. Last evaluated: 2023-05-03. Review status: criteria provided, single submitter. Criteria: GeneDx Variant Classification Process June 2021. Collection method: clinical testing. Allele origin: germline. Affected: yes.
Comment: In silico analysis supports that this variant does not alter protein function; Has not been previously published as pathogenic or benign to our knowledge; Reported using an alternate transcript of the gene